The following is an entry in ClinVar:

ClinVar aggregate classification (germline): Uncertain significance. Review status: criteria provided, multiple submitters, no conflicts (2 of 4 stars). 2 submissions from 2 submitters: Uncertain significance (2). Last evaluated 2023-10-13.

Conditions:
Catecholaminergic polymorphic ventricular tachycardia 1. Also called: VENTRICULAR TACHYCARDIA, CATECHOLAMINERGIC POLYMORPHIC, 1, WITH OR WITHOUT ATRIAL DYSFUNCTION AND/OR DILATED CARDIOMYOPATHY; RYR2-Related Catecholaminergic Polymorphic Ventricular Tachycardia; VENTRICULAR TACHYCARDIA, STRESS-INDUCED POLYMORPHIC 1. Identifiers: Orphanet 3286, MedGen C1631597, MONDO:0011484, OMIM 604772.

gnomAD v4.1: 1 of 1,609,470 alleles (0.000062%); no homozygotes.

Submissions (2):

Clinical Genomics Laboratory, Stanford Medicine
Classification: Uncertain significance for Catecholaminergic polymorphic ventricular tachycardia 1. Last evaluated: 2023-10-13. Review status: criteria provided, single submitter. Criteria: ACMG Guidelines, 2015. Collection method: clinical testing. Allele origin: germline. Observed: 1 variant allele, 1 heterozygote.
Comment: The p.Ala2499Ser variant in the RYR2 gene has not been previously reported in association with disease. This variant was absent from large population databases, including the Genome Aggregation Database. This variant is present in ClinVar (Accession: VCV001010718.9). Computational tools predict that this variant is neither deleterious nor benign; however, the accuracy of in silico algorithms is limited. The RYR2 gene has fewer missense variants in the general population than expected. A low rate of missense variation may suggest that this gene is intolerant to missense variation. These data were assessed using the ACMG/AMP variant interpretation guidelines. In summary, the significance of the p.Ala2499Ser variant is uncertain. Additional information is needed to resolve the significance of this variant. [ACMG evidence codes used: PM2, PP2]

Labcorp Genetics (formerly Invitae), Labcorp
Classification: Uncertain significance for Catecholaminergic polymorphic ventricular tachycardia 1. Last evaluated: 2020-02-18. Review status: criteria provided, single submitter. Criteria: Invitae Variant Classification Sherloc (09022015). Collection method: clinical testing. Allele origin: germline.
Comment: This variant is not present in population databases (ExAC no frequency). This sequence change replaces alanine with serine at codon 2499 of the RYR2 protein (p.Ala2499Ser). The alanine residue is highly conserved and there is a moderate physicochemical difference between alanine and serine. This variant has not been reported in the literature in individuals with RYR2-related conditions. In summary, the available evidence is currently insufficient to determine the role of this variant in disease. Therefore, it has been classified as a Variant of Uncertain Significance. Algorithms developed to predict the effect of missense changes on protein structure and function are either unavailable or do not agree on the potential impact of this missense change (SIFT: "Deleterious"; PolyPhen-2: "Benign"; Align-GVGD: "Class C65").

NM_001035.3(RYR2):c.7495G>T (p.Ala2499Ser)

Gene: RYR2 (ryanodine receptor 2; plus strand). Cytogenetic location: 1q43.
Variant type: single nucleotide variant.
Coding change: c.7495G>T on transcript NM_001035.3 (MANE Select); coding-DNA position 7495, G replaced by T.
Protein change: p.Ala2499Ser; replaces alanine 2499 with serine.
Molecular consequence: missense variant.
Genome position (GRCh38, 1-based): chr1:237,648,596, G>T. VCF-style: chr1-237648596-G-T. GRCh37 (hg19) VCF-style: chr1-237811896-G-T.
Other names: short protein forms A2499S.
Identifiers: ClinVar variation 1010718 (VCV001010718.10), dbSNP rs191850147, ClinGen allele CA345398704.